The following is an entry in ClinVar:

ClinVar aggregate classification (germline): Benign/Likely benign. Review status: criteria provided, multiple submitters, no conflicts (2 of 4 stars). 3 submissions from 3 submitters: Benign (2); Likely benign (1). Last evaluated 2026-01-28.

Allele frequency attached by ClinVar (database versions not stated): 1000 Genomes Project 30x 0.00156; ExAC 0.00178; 1000 Genomes Project 0.00180; gnomAD exomes 0.00189 and 0.00273; ESP Exome Variant Server 0.00192; gnomAD 0.00197 and 0.00205; TOPMed 0.00221.
gnomAD v4.1: 4,291 of 1,613,776 alleles (0.27%); highest among the groups gnomAD compares: Middle Eastern, 0.45%; 6 homozygotes.

Submissions (3):

Labcorp Genetics (formerly Invitae), Labcorp
Classification: Benign. Last evaluated: 2026-01-28. Review status: criteria provided, single submitter. Criteria: Invitae Variant Classification Sherloc (09022015). Collection method: clinical testing. Allele origin: germline.

CeGaT Center for Human Genetics Tuebingen
Classification: Likely benign. Last evaluated: 2022-12-01. Review status: criteria provided, single submitter. Criteria: CeGaT Center For Human Genetics Tuebingen Variant Classification Criteria Version 2. Collection method: clinical testing. Allele origin: germline. Affected: yes. Observed: 1 variant allele.
Comment: TMPRSS15: BP4, BP7

Breakthrough Genomics
Classification: Benign. Review status: criteria provided, single submitter. Criteria: ACMG Guidelines, 2015. Collection method: not provided. Allele origin: germline. Inheritance: Autosomal recessive inheritance. Affected: yes.

NM_002772.3(TMPRSS15):c.1989C>T (p.Asp663=)

Gene: TMPRSS15 (transmembrane serine protease 15; minus strand). Cytogenetic location: 21q21.1.
Variant type: single nucleotide variant.
Coding change: c.1989C>T on transcript NM_002772.3 (MANE Select); coding-DNA position 1989, C replaced by T.
Protein change: p.Asp663=; no amino-acid change (aspartic acid 663 retained).
Molecular consequence: synonymous variant.
Genome position (GRCh38, 1-based): chr21:18,315,189, G>A on the plus strand (C>T on the coding strand, the complement: TMPRSS15 is on the minus strand). VCF-style: chr21-18315189-G-A. GRCh37 (hg19) VCF-style: chr21-19687506-G-A.
Identifiers: ClinVar variation 719306 (VCV000719306.33), dbSNP rs148711749, ClinGen allele CA9984241.